The following is an entry in ClinVar:

NM_001199138.2(NLRC4):c.1357C>T (p.Arg453Ter)

Gene: NLRC4 (NLR family CARD domain containing 4; minus strand). Cytogenetic location: 2p22.3.
Variant type: single nucleotide variant.
Coding change: c.1357C>T on transcript NM_001199138.2 (MANE Select); coding-DNA position 1357, C replaced by T.
Protein change: p.Arg453Ter; replaces arginine 453 with a stop codon.
Molecular consequence: nonsense. On other transcripts: intron variant (1).
Genome position (GRCh38, 1-based): chr2:32,250,507, G>A on the plus strand (C>T on the coding strand, the complement: NLRC4 is on the minus strand). VCF-style: chr2-32250507-G-A. GRCh37 (hg19) VCF-style: chr2-32475576-G-A.
Other names: c.1357C>T, p.Arg453Ter (NM_001199139.2, NM_021209.5); c.262+1912C>T (NM_001302504.1); short protein forms R453*.
Identifiers: ClinVar variation 746972 (VCV000746972.15), dbSNP rs765641913, ClinGen allele CA1602006.

ClinVar aggregate classification (germline): Conflicting classifications of pathogenicity. Review status: criteria provided, conflicting classifications (1 of 4 stars). 3 submissions from 3 submitters: Uncertain significance (1); Likely benign (1). 1 of the submissions does not count toward it. Last evaluated 2025-12-24.

Conditions:
Periodic fever-infantile enterocolitis-autoinflammatory syndrome. Also called: Autoinflammation with infantile enterocolitis. Identifiers: Orphanet 436166, MedGen C4015067, MONDO:0014472, OMIM 616050.
Familial cold autoinflammatory syndrome 4 (FCAS4). Identifiers: Orphanet 47045, Orphanet 576349, MedGen C4015276, MONDO:0014498, OMIM 616115.
NLRC4-related disorder. Also called: NLRC4-related condition.

Allele frequency attached by ClinVar (database versions not stated): ExAC 0.00002; gnomAD exomes 0.00002 and 0.00003; gnomAD 0.00003 and 0.00002; TOPMed 0.00005.
gnomAD v4.1: 27 of 1,614,052 alleles (0.0017%); highest among the groups gnomAD compares: Middle Eastern, 0.016%; no homozygotes.

Submissions (3):

Labcorp Genetics (formerly Invitae), Labcorp
Classification: Likely benign for Periodic fever-infantile enterocolitis-autoinflammatory syndrome; Familial cold autoinflammatory syndrome 4. Last evaluated: 2025-12-24. Review status: criteria provided, single submitter. Criteria: Invitae Variant Classification Sherloc (09022015). Collection method: clinical testing. Allele origin: germline.

Revvity Omics, Revvity
Classification: Uncertain significance. Last evaluated: 2019-05-24. Review status: criteria provided, single submitter. Criteria: ACMG Guidelines, 2015. Collection method: clinical testing. Allele origin: germline.

PreventionGenetics, part of Exact Sciences
Classification: Uncertain significance for NLRC4-related condition. Last evaluated: 2024-08-21. Review status: no assertion criteria provided. Collection method: clinical testing. Allele origin: germline. Not counted in ClinVar's aggregate classification.
Comment: The NLRC4 c.1357C>T variant is predicted to result in premature protein termination (p.Arg453*). To our knowledge, this variant has not been reported in the literature. This variant is reported in 0.014% of alleles in individuals of Latino descent in gnomAD. At this time, the clinical significance of this variant is uncertain due to the absence of conclusive functional and genetic evidence.